The following is an entry in ClinVar:

ClinVar aggregate classification (germline): Uncertain significance (1 of 4 stars; one submission).

Conditions:
Cardiovascular phenotype. Identifiers: MedGen CN230736.

Submission:

Ambry Genetics
Classification: Uncertain significance for Cardiovascular phenotype. Last evaluated: 2026-05-14. Review status: criteria provided, single submitter. Criteria: Ambry Variant Classification Scheme 2023. Collection method: clinical testing. Allele origin: germline.
Comment: The p.S3462P variant (also known as c.10384T>C), located in coding exon 30 of the TNXB gene, results from a T to C substitution at nucleotide position 10384. The serine at codon 3462 is replaced by proline, an amino acid with similar properties. This amino acid position is conserved. In addition, the in silico prediction for this alteration is inconclusive. Based on the available evidence, the clinical significance of this variant remains unclear.

NM_001365276.2(TNXB):c.10390T>C (p.Ser3464Pro)

Gene: TNXB (tenascin XB; minus strand). Cytogenetic location: 6p21.33.
Variant type: single nucleotide variant.
Coding change: c.10390T>C on transcript NM_001365276.2 (MANE Select); coding-DNA position 10390, T replaced by C.
Protein change: p.Ser3464Pro; replaces serine 3464 with proline.
Molecular consequence: missense variant.
Genome position (GRCh38, 1-based): chr6:32,046,391, A>G on the plus strand (T>C on the coding strand, the complement: TNXB is on the minus strand). VCF-style: chr6-32046391-A-G. GRCh37 (hg19) VCF-style: chr6-32014168-A-G.
Other names: c.11131T>C, p.Ser3711Pro (NM_001428335.1); c.10384T>C, p.Ser3462Pro (NM_019105.8); short protein forms S3462P, S3464P, S3711P.
Identifiers: ClinVar variation 4865828 (VCV004865828.1).